The following is an entry in ClinVar:

NM_000540.3(RYR1):c.11440-1G>A

Gene: RYR1 (ryanodine receptor 1; plus strand). Cytogenetic location: 19q13.2.
Variant type: single nucleotide variant.
Coding change: c.11440-1G>A on transcript NM_000540.3 (MANE Select); the canonical splice acceptor site of the intron before coding-DNA position 11440, G replaced by A.
Molecular consequence: splice acceptor variant.
Genome position (GRCh38, 1-based): chr19:38,535,315, G>A. VCF-style: chr19-38535315-G-A. GRCh37 (hg19) VCF-style: chr19-39025955-G-A.
Other names: c.11425-1G>A (NM_001042723.2).
Identifiers: ClinVar variation 4756843 (VCV004756843.1).

ClinVar aggregate classification (germline): Uncertain significance (1 of 4 stars; one submission).

Conditions:
Malignant hyperthermia, susceptibility to, 1 (MHS1). Also called: RYR1-Related Malignant Hyperthermia Susceptibility; Malignant hyperthermia suceptibility 1; Anesthesia related hyperthermia; Malignant hyperpyrexia; Fulminating hyperpyrexia; Pharmacogenic myopathy. Identifiers: Orphanet 423, MedGen C2930980, MONDO:0007783, OMIM 145600.

Submission:

Color Diagnostics, LLC DBA Color Health
Classification: Uncertain significance for Malignant hyperthermia, susceptibility to, 1. Last evaluated: 2025-06-10. Review status: criteria provided, single submitter. Criteria: ACMG Guidelines, 2015. Collection method: clinical testing. Allele origin: germline.
Comment: This variant causes a G>A nucleotide substitution at the -1 position of intron 80 of the RYR1 gene. Splice site prediction tools suggest that this variant may have a significant impact on RNA splicing. Although this prediction has not been confirmed in published RNA studies, this variant is expected to result in an absent or disrupted protein product. This variant has not been reported in individuals affected with RYR1-related disorders in the literature. This variant has not been identified in the general population by the Genome Aggregation Database (gnomAD). Loss of RYR1 function due to truncation variants is not an established disease mechanism for autosomal dominant malignant hyperthermia, although it is associated with other phenotype(s). Therefore, this variant is classified as a Variant of Uncertain Significance for autosomal dominant malignant hyperthermia.